The following is an entry in ClinVar:

NM_001458.5(FLNC):c.783G>C (p.Lys261Asn)

Gene: FLNC (filamin C; plus strand). Cytogenetic location: 7q32.1.
Variant type: single nucleotide variant.
Coding change: c.783G>C on transcript NM_001458.5 (MANE Select); coding-DNA position 783, G replaced by C.
Protein change: p.Lys261Asn; replaces lysine 261 with asparagine.
Molecular consequence: missense variant.
Genome position (GRCh38, 1-based): chr7:128,837,481, G>C. VCF-style: chr7-128837481-G-C. GRCh37 (hg19) VCF-style: chr7-128477535-G-C.
Other names: c.783G>C, p.Lys261Asn (NM_001127487.2); c.783G>C (NM_001458.4); short protein forms K261N.
Identifiers: ClinVar variation 1026801 (VCV001026801.10), dbSNP rs976229219, ClinGen allele CA369222404.

ClinVar aggregate classification (germline): Uncertain significance. Review status: criteria provided, multiple submitters, no conflicts (2 of 4 stars). 2 submissions from 2 submitters: Uncertain significance (2). Last evaluated 2026-01-15.

Conditions:
Myofibrillar myopathy 5. Also called: Filaminopathy (type); FILAMINOPATHY, AUTOSOMAL DOMINANT. Identifiers: Orphanet 171445, MedGen C1836050, MONDO:0012289, OMIM 609524.
Distal myopathy with posterior leg and anterior hand involvement. Also called: WILLIAMS DISTAL MYOPATHY. Identifiers: Orphanet 63273, MedGen C3279722, MONDO:0013550, OMIM 614065.
Hypertrophic cardiomyopathy 26. Also called: Cardiomyopathy, familial hypertrophic, 26. Identifiers: Orphanet 75249, MedGen C4310749, MONDO:0014883, OMIM 617047.

Allele frequency attached by ClinVar (database versions not stated): gnomAD exomes below 0.00001.
gnomAD v4.1: 1 of 1,614,206 alleles (0.000062%); highest among the groups gnomAD compares: Non-Finnish European, 0.000085%; no homozygotes.

Submissions (2):

Labcorp Genetics (formerly Invitae), Labcorp
Classification: Uncertain significance for Distal myopathy with posterior leg and anterior hand involvement; Myofibrillar myopathy 5; Hypertrophic cardiomyopathy 26. Last evaluated: 2026-01-15. Review status: criteria provided, single submitter. Criteria: Invitae Variant Classification Sherloc (09022015). Collection method: clinical testing. Allele origin: germline.
Comment: This sequence change replaces lysine, which is basic and polar, with asparagine, which is neutral and polar, at codon 261 of the FLNC protein (p.Lys261Asn). This variant is not present in population databases (gnomAD no frequency). This variant has not been reported in the literature in individuals affected with FLNC-related conditions. ClinVar contains an entry for this variant (Variation ID: 1026801). Invitae Evidence Modeling of protein sequence and biophysical properties (such as structural, functional, and spatial information, amino acid conservation, physicochemical variation, residue mobility, and thermodynamic stability) has been performed for this missense variant. However, the output from this modeling did not meet the statistical confidence thresholds required to predict the impact of this variant on FLNC protein function. In summary, the available evidence is currently insufficient to determine the role of this variant in disease. Therefore, it has been classified as a Variant of Uncertain Significance.

GeneDx
Classification: Uncertain significance. Last evaluated: 2023-11-20. Review status: criteria provided, single submitter. Criteria: GeneDx Variant Classification Process June 2021. Collection method: clinical testing. Allele origin: germline. Affected: yes.
Comment: Not observed at significant frequency in large population cohorts (gnomAD); In silico analysis supports that this missense variant has a deleterious effect on protein structure/function; Has not been previously published as pathogenic or benign to our knowledge